The following is an entry in ClinVar:

ClinVar aggregate classification (germline): Uncertain significance (1 of 4 stars; one submission).

Submission:

Labcorp Genetics (formerly Invitae), Labcorp
Classification: Uncertain significance. Last evaluated: 2024-11-04. Review status: criteria provided, single submitter. Criteria: Invitae Variant Classification Sherloc (09022015). Collection method: clinical testing. Allele origin: germline.
Comment: This sequence change replaces glycine, which is neutral and non-polar, with arginine, which is basic and polar, at codon 7 of the PPP1R15B protein (p.Gly7Arg). This variant is not present in population databases (gnomAD no frequency). This variant has not been reported in the literature in individuals affected with PPP1R15B-related conditions. An algorithm developed to predict the effect of missense changes on protein structure and function outputs the following: PolyPhen-2: "Benign". The arginine amino acid residue is found in multiple mammalian species, which suggests that this missense change does not adversely affect protein function. In summary, the available evidence is currently insufficient to determine the role of this variant in disease. Therefore, it has been classified as a Variant of Uncertain Significance.

NM_032833.5(PPP1R15B):c.19G>A (p.Gly7Arg)

Gene: PPP1R15B (protein phosphatase 1 regulatory subunit 15B; minus strand). Cytogenetic location: 1q32.1.
Variant type: single nucleotide variant.
Coding change: c.19G>A on transcript NM_032833.5 (MANE Select); coding-DNA position 19, G replaced by A.
Protein change: p.Gly7Arg; replaces glycine 7 with arginine.
Molecular consequence: missense variant.
Genome position (GRCh38, 1-based): chr1:204,411,393, C>T on the plus strand (G>A on the coding strand, the complement: PPP1R15B is on the minus strand). VCF-style: chr1-204411393-C-T. GRCh37 (hg19) VCF-style: chr1-204380521-C-T.
Other names: short protein forms G7R.
Identifiers: ClinVar variation 3724523 (VCV003724523.2).